The following is an entry in ClinVar:

NM_138477.4(CDAN1):c.2751C>G (p.Ile917Met)

Gene: CDAN1 (codanin 1; minus strand). Cytogenetic location: 15q15.2.
Variant type: single nucleotide variant.
Coding change: c.2751C>G on transcript NM_138477.4 (MANE Select); coding-DNA position 2751, C replaced by G.
Protein change: p.Ile917Met; replaces isoleucine 917 with methionine.
Molecular consequence: missense variant.
Genome position (GRCh38, 1-based): chr15:42,728,705, G>C on the plus strand (C>G on the coding strand, the complement: CDAN1 is on the minus strand). VCF-style: chr15-42728705-G-C. GRCh37 (hg19) VCF-style: chr15-43020903-G-C.
Other names: p.Ile917Met; short protein forms I917M.
Identifiers: ClinVar variation 3380263 (VCV003380263.1).
Genomic context (GRCh38, chr15:42,728,705, plus strand): 5'-TGCTTACTCCCGCCCCAGGGCCAATGCCTGGGCCCCGTGAGGGCACAGCTGGGAACACAA[G>C]ATCTCCAACAGCTGGGCTGGGTCTCCCCCTTCCTCTCCCTGTGTCACCAGCTGCTCTTGG-3'
Protein context (NP_612486.2, residues 907-927): EGGDPAQLLE[Ile917Met]LCSQLCPHGA

ClinVar aggregate classification (germline): Uncertain significance (1 of 4 stars; one submission).

gnomAD v4.1: 3 of 1,614,064 alleles (0.00019%); highest among the groups gnomAD compares: African/African-American, 0.0027%; no homozygotes.

Submission:

Mayo Clinic Laboratories, Mayo Clinic
Classification: Uncertain significance. Last evaluated: 2024-05-29. Review status: criteria provided, single submitter. Criteria: ACMG Guidelines, 2015. Collection method: clinical testing. Allele origin: germline. Observed: 2 variant alleles.
Comment: BP4, PM2_moderate